The following is an entry in ClinVar:

NM_004565.3(PEX14):c.269A>G (p.Gln90Arg)

Gene: PEX14 (peroxisomal biogenesis factor 14; plus strand). Cytogenetic location: 1p36.22.
Variant type: single nucleotide variant.
Coding change: c.269A>G on transcript NM_004565.3 (MANE Select); coding-DNA position 269, A replaced by G.
Protein change: p.Gln90Arg; replaces glutamine 90 with arginine.
Molecular consequence: missense variant.
Genome position (GRCh38, 1-based): chr1:10,599,337, A>G. VCF-style: chr1-10599337-A-G. GRCh37 (hg19) VCF-style: chr1-10659394-A-G.
Other names: short protein forms Q90R.
Identifiers: ClinVar variation 964029 (VCV000964029.9), dbSNP rs1640919599, ClinGen allele CA338690494.

ClinVar aggregate classification (germline): Uncertain significance (1 of 4 stars; one submission).

Conditions:
Peroxisome biogenesis disorder, complementation group K (CGK). Identifiers: MedGen C1866257, MONDO:0800365.

Submission:

Labcorp Genetics (formerly Invitae), Labcorp
Classification: Uncertain significance for Peroxisome biogenesis disorder, complementation group K. Last evaluated: 2019-11-05. Review status: criteria provided, single submitter. Criteria: Invitae Variant Classification Sherloc (09022015). Collection method: clinical testing. Allele origin: germline.
Comment: This sequence change replaces glutamine with arginine at codon 90 of the PEX14 protein (p.Gln90Arg). The glutamine residue is moderately conserved and there is a small physicochemical difference between glutamine and arginine. This variant has not been reported in the literature in individuals with PEX14-related conditions. In summary, the available evidence is currently insufficient to determine the role of this variant in disease. Therefore, it has been classified as a Variant of Uncertain Significance. Algorithms developed to predict the effect of missense changes on protein structure and function are either unavailable or do not agree on the potential impact of this missense change (SIFT: "Tolerated"; PolyPhen-2: "Possibly Damaging"; Align-GVGD: "Class C0"). This variant is not present in population databases (ExAC no frequency).